The following is an entry in ClinVar:

NM_002547.3(OPHN1):c.1343C>T (p.Ser448Phe)

Gene: OPHN1 (oligophrenin 1; minus strand). Cytogenetic location: Xq12.
Variant type: single nucleotide variant.
Coding change: c.1343C>T on transcript NM_002547.3 (MANE Select); coding-DNA position 1343, C replaced by T.
Protein change: p.Ser448Phe; replaces serine 448 with phenylalanine.
Molecular consequence: missense variant.
Genome position (GRCh38, 1-based): chrX:68,119,266, G>A on the plus strand (C>T on the coding strand, the complement: OPHN1 is on the minus strand). VCF-style: chrX-68119266-G-A. GRCh37 (hg19) VCF-style: chrX-67339108-G-A.
Other names: short protein forms S448F.
Identifiers: ClinVar variation 812190 (VCV000812190.1), dbSNP rs2077140176, ClinGen allele CA413431975.
Genomic context (GRCh38, chrX:68,119,266, plus strand): 5'-ACCAGCTATGAAAAGCAAACTCCCAATTCAAATCAGGCATACCTGAGGTAGAATTTCAAG[G>A]AGCTGGTGATTGTCTTAATGTCCCAGTCACTATTATGAAAATCAACATCTCCTGGGCATT-3'
Protein context (NP_002538.1, residues 438-458): SDWDIKTITS[Ser448Phe]LKFYLRNLSE

ClinVar aggregate classification (germline): Uncertain significance (1 of 4 stars; one submission).

Conditions:
Intellectual developmental disorder, X-linked, syndromic, Billuart type. Also called: X-linked intellectual disability-cerebellar hypoplasia syndrome; MENTAL RETARDATION, X-LINKED 60. Identifiers: Orphanet 137831, MedGen C1845366, MONDO:0010337, OMIM 300486.

Submission:

Cavalleri Lab, Royal College of Surgeons in Ireland
Classification: Uncertain significance for Intellectual developmental disorder, X-linked, syndromic, Billuart type. Last evaluated: 2019-12-11. Review status: criteria provided, single submitter. Criteria: ACMG Guidelines, 2015. Collection method: research. Allele origin: maternal. Inheritance: X-linked inheritance. Affected: yes.
Comment: ACMG evidence PM2, PM3, PP3

Literature cited by the submitters: PubMed 32238909.